The following is an entry in ClinVar:

ClinVar aggregate classification (germline): Likely pathogenic (1 of 4 stars; one submission).

Submission:

GeneDx
Classification: Likely pathogenic. Last evaluated: 2017-10-02. Review status: criteria provided, single submitter. Criteria: GeneDx Variant Classification (06012015). Collection method: clinical testing. Allele origin: germline. Affected: yes.
Comment: The c.6009+1 G>T splice site variant in the NSD1 gene destroys the canonical splice donor site in intron 19. It has not been published as a pathogenic variant, nor has it been reported as a benign variant to our knowledge. The variant is not observed in large population cohorts (Lek et al., 2016). It is predicted to cause abnormal gene splicing, either leading to an abnormal message that is subject to nonsense-mediated mRNA decay, or to an abnormal protein product if the message is used for protein translation. However, in the absence of RNA/functional studies, the actual effect of this sequence change is unknown. In summary, we consider this variant to be likely pathogenic.

NM_022455.5(NSD1):c.6009+1G>T

Gene: NSD1 (nuclear receptor binding SET domain protein 1; plus strand). Cytogenetic location: 5q35.3.
Variant type: single nucleotide variant.
Coding change: c.6009+1G>T on transcript NM_022455.5 (MANE Select); the canonical splice donor site of the intron after coding-DNA position 6009, G replaced by T.
Molecular consequence: splice donor variant.
Genome position (GRCh38, 1-based): chr5:177,282,582, G>T. VCF-style: chr5-177282582-G-T. GRCh37 (hg19) VCF-style: chr5-176709583-G-T.
Other names: c.5256+1G>T (NM_001409305.1); c.5247+1G>T (NM_001409306.1, NM_001409307.1); c.5136+1G>T (NM_001409308.1, NM_172349.5, NM_001409309.1 and 1 more transcripts); c.6009+1G>T (NM_001409302.1, NM_001409303.1, NM_001409301.1); c.5589+1G>T (NM_001409304.1).
Identifiers: ClinVar variation 452541 (VCV000452541.2), dbSNP rs1554204648, ClinGen allele CA362316014.